The following is an entry in ClinVar:

NM_013275.6(ANKRD11):c.6067G>C (p.Ala2023Pro)

Gene: ANKRD11 (ankyrin repeat domain 11; minus strand). Cytogenetic location: 16q24.3.
Variant type: single nucleotide variant.
Coding change: c.6067G>C on transcript NM_013275.6 (MANE Select); coding-DNA position 6067, G replaced by C.
Protein change: p.Ala2023Pro; replaces alanine 2023 with proline.
Molecular consequence: missense variant.
Genome position (GRCh38, 1-based): chr16:89,280,475, C>G on the plus strand (G>C on the coding strand, the complement: ANKRD11 is on the minus strand). VCF-style: chr16-89280475-C-G. GRCh37 (hg19) VCF-style: chr16-89346883-C-G.
Other names: c.6067G>C, p.Ala2023Pro (NM_001256182.2, NM_001256183.2); short protein forms A2023P.
Identifiers: ClinVar variation 380368 (VCV000380368.18), dbSNP rs60520302, ClinGen allele CA8241613.

ClinVar aggregate classification (germline): Benign/Likely benign. Review status: criteria provided, multiple submitters, no conflicts (2 of 4 stars). 8 submissions from 8 submitters: Benign (7); Likely benign (1). Last evaluated 2026-05-09.

Conditions:
Inborn genetic diseases. Identifiers: MedGen C0950123, MeSH D030342.
KBG syndrome (KBGS). Also called: ANKRD11-Related KBG Syndrome. Identifiers: Orphanet 2332, MedGen C0220687, MONDO:0007846, OMIM 148050.

Allele frequency attached by ClinVar (database versions not stated): 1000 Genomes Project 30x 0.03654; 1000 Genomes Project 0.03754; gnomAD 0.04744; ESP Exome Variant Server 0.02682; TOPMed 0.03313.
gnomAD v4.1: 64,605 of 1,602,602 alleles (4%); highest among the groups gnomAD compares: East Asian, 6.6%; 1,621 homozygotes.

Submissions (8):

Women's Health and Genetics/Laboratory Corporation of America, LabCorp
Classification: Likely benign. Last evaluated: 2026-05-09. Review status: criteria provided, single submitter. Criteria: LabCorp Variant Classification Summary - May 2015. Collection method: clinical testing. Allele origin: germline.

Labcorp Genetics (formerly Invitae), Labcorp
Classification: Benign for KBG syndrome. Last evaluated: 2026-02-03. Review status: criteria provided, single submitter. Criteria: Invitae Variant Classification Sherloc (09022015). Collection method: clinical testing. Allele origin: germline.

Blueprint Genetics
Classification: Benign. Last evaluated: 2024-11-27. Review status: criteria provided, single submitter. Criteria: ACMG Guidelines, 2015. Collection method: clinical testing. Allele origin: germline.

Genome-Nilou Lab
Classification: Benign for KBG syndrome. Last evaluated: 2021-12-05. Review status: criteria provided, single submitter. Criteria: ACMG Guidelines, 2015. Collection method: clinical testing. Allele origin: germline. Affected: no.

Athena Diagnostics
Classification: Benign. Last evaluated: 2017-06-28. Review status: criteria provided, single submitter. Criteria: Athena Diagnostics Criteria. Collection method: clinical testing. Allele origin: germline.

Ambry Genetics
Classification: Benign for Inborn genetic diseases. Last evaluated: 2016-04-19. Review status: criteria provided, single submitter. Criteria: Ambry Variant Classification Scheme 2023. Collection method: clinical testing. Allele origin: germline.

GeneDx
Classification: Benign. Last evaluated: 2015-09-22. Review status: criteria provided, single submitter. Criteria: GeneDx Variant Classification (06012015). Collection method: clinical testing. Allele origin: germline. Affected: yes.
Comment: This variant is considered likely benign or benign based on one or more of the following criteria: it is a conservative change, it occurs at a poorly conserved position in the protein, it is predicted to be benign by multiple in silico algorithms, and/or has population frequency not consistent with disease.

Breakthrough Genomics
Classification: Benign. Review status: criteria provided, single submitter. Criteria: ACMG Guidelines, 2015. Collection method: not provided. Allele origin: germline. Inheritance: Autosomal dominant inheritance. Affected: yes.